The following is an entry in ClinVar:

NM_152505.4(LCA5L):c.1863C>G (p.Gly621=)

Genes: GET1 (guided entry of tail-anchored proteins factor 1; plus strand), GET1-SH3BGR (GET1-SH3BGR readthrough; plus strand), LCA5L (lebercilin LCA5 like; minus strand). Cytogenetic location: 21q22.2.
Variant type: single nucleotide variant.
Coding change: c.1863C>G on transcript NM_152505.4 (MANE Select); coding-DNA position 1863, C replaced by G.
Protein change: p.Gly621=; no amino-acid change (glycine 621 retained).
Molecular consequence: synonymous variant. On other transcripts: non-coding transcript variant (2), intron variant (2).
Genome position (GRCh38, 1-based): chr21:39,406,032, G>C on the plus strand (C>G on the coding strand, the complement: LCA5L is on the minus strand). VCF-style: chr21-39406032-G-C. GRCh37 (hg19) VCF-style: chr21-40777958-G-C.
Other names: c.1863C>G, p.Gly621= (NM_001384285.1, NM_001384286.1, NM_001384287.1 and 3 more transcripts); c.1473C>G, p.Gly491= (NM_001384292.1, NM_001384293.1, NM_001384294.1 and 2 more transcripts); c.336+14196G>C (NM_001317744.2, NM_001350300.2).
Identifiers: ClinVar variation 2652665 (VCV002652665.24), dbSNP rs138510761, ClinGen allele CA10028603.

ClinVar aggregate classification (germline): Likely benign (1 of 4 stars; one submission).

Allele frequency attached by ClinVar (database versions not stated): gnomAD exomes 0.00014; ExAC 0.00049; gnomAD 0.00150; ESP Exome Variant Server 0.00161; TOPMed 0.00175; 1000 Genomes Project 30x 0.00234; 1000 Genomes Project 0.00240.
gnomAD v4.1: 460 of 1,614,210 alleles (0.028%); highest among the groups gnomAD compares: African/African-American, 0.48%; 5 homozygotes.

Submission:

CeGaT Center for Human Genetics Tuebingen
Classification: Likely benign. Last evaluated: 2023-04-01. Review status: criteria provided, single submitter. Criteria: CeGaT Center For Human Genetics Tuebingen Variant Classification Criteria Version 2. Collection method: clinical testing. Allele origin: germline. Affected: yes. Observed: 1 variant allele.
Comment: LCA5L: BP4, BP7